The following is an entry in ClinVar:

ClinVar aggregate classification (germline): Conflicting classifications of pathogenicity. Review status: criteria provided, conflicting classifications (1 of 4 stars). 2 submissions from 2 submitters: Uncertain significance (1); Likely benign (1). Last evaluated 2024-09-05.

Conditions:
Renal cell carcinoma. Identifiers: Orphanet 217071, MedGen C0007134, MeSH D002292, MONDO:0005086, HP:0005584.
Hereditary cancer-predisposing syndrome. Also called: Hereditary Cancer Syndrome; Hereditary neoplastic syndrome; Neoplastic Syndromes, Hereditary; Tumor predisposition. Identifiers: Orphanet 140162, MedGen C0027672, MeSH D009386, MONDO:0015356.

Allele frequency attached by ClinVar (database versions not stated): gnomAD exomes below 0.00001.
gnomAD v4.1: 5 of 1,613,106 alleles (0.00031%); highest among the groups gnomAD compares: Non-Finnish European, 0.00034%; no homozygotes.

Submissions (2):

Ambry Genetics
Classification: Likely benign for Hereditary cancer-predisposing syndrome. Last evaluated: 2024-09-05. Review status: criteria provided, single submitter. Criteria: Ambry Variant Classification Scheme 2023. Collection method: clinical testing. Allele origin: germline.

Labcorp Genetics (formerly Invitae), Labcorp
Classification: Uncertain significance for Renal cell carcinoma. Last evaluated: 2024-06-10. Review status: criteria provided, single submitter. Criteria: Invitae Variant Classification Sherloc (09022015). Collection method: clinical testing. Allele origin: germline.
Comment: This sequence change replaces glutamine, which is neutral and polar, with arginine, which is basic and polar, at codon 559 of the MET protein (p.Gln559Arg). This variant is not present in population databases (gnomAD no frequency). This missense change has been observed in individual(s) with breast cancer (PMID: 25636233). ClinVar contains an entry for this variant (Variation ID: 454194). Advanced modeling of protein sequence and biophysical properties (such as structural, functional, and spatial information, amino acid conservation, physicochemical variation, residue mobility, and thermodynamic stability) performed at Invitae indicates that this missense variant is not expected to disrupt MET protein function with a negative predictive value of 80%. In summary, the available evidence is currently insufficient to determine the role of this variant in disease. Therefore, it has been classified as a Variant of Uncertain Significance.

Literature cited by the submitters: PubMed 25636233 (cited by Labcorp Genetics (formerly Invitae), Labcorp).

NM_000245.4(MET):c.1676A>G (p.Gln559Arg)

Gene: MET (MET proto-oncogene, receptor tyrosine kinase; plus strand). Cytogenetic location: 7q31.2.
Variant type: single nucleotide variant.
Coding change: c.1676A>G on transcript NM_000245.4 (MANE Select); coding-DNA position 1676, A replaced by G.
Protein change: p.Gln559Arg; replaces glutamine 559 with arginine.
Molecular consequence: missense variant.
Genome position (GRCh38, 1-based): chr7:116,741,000, A>G. VCF-style: chr7-116741000-A-G. GRCh37 (hg19) VCF-style: chr7-116381054-A-G.
Other names: c.1676A>G, p.Gln559Arg (NM_001127500.3, NM_001324401.3); c.386A>G, p.Gln129Arg (NM_001324402.2); short protein forms Q559R, Q129R.
Identifiers: ClinVar variation 454194 (VCV000454194.14), dbSNP rs45460604, ClinGen allele CA164873940.